The following is an entry in ClinVar:

NM_001379081.2(FREM1):c.70A>G (p.Thr24Ala)

Gene: FREM1 (FRAS1 related extracellular matrix 1; minus strand). Cytogenetic location: 9p22.3.
Variant type: single nucleotide variant.
Coding change: c.70A>G on transcript NM_001379081.2 (MANE Select); coding-DNA position 70, A replaced by G.
Protein change: p.Thr24Ala; replaces threonine 24 with alanine.
Molecular consequence: missense variant. On other transcripts: non-coding transcript variant (4).
Genome position (GRCh38, 1-based): chr9:14,868,908, T>C on the plus strand (A>G on the coding strand, the complement: FREM1 is on the minus strand). VCF-style: chr9-14868908-T-C. GRCh37 (hg19) VCF-style: chr9-14868906-T-C.
Other names: c.70A>G, p.Thr24Ala (NM_001370060.1, NM_001370063.1, NM_001370065.1 and 1 more transcripts); short protein forms T24A.
Identifiers: ClinVar variation 366177 (VCV000366177.13), dbSNP rs372699811, ClinGen allele CA4991687.
Genomic context (GRCh38, chr9:14,868,908, plus strand): 5'-CTGACAGGAAGGCAGAGTGGCCCTTCATCACCCTCACCCCGCGGTTGATGCTGATGAAGG[T>C]GGGGCTGGCCCAGGCCAGGAGGAGCAGCAGCAGCACGGCATTCGCAGCCCCCCAACTCAG-3'
Protein context (NP_001366010.1, residues 14-34): LLLLLAWASP[Thr24Ala]FISINRGVRV

ClinVar aggregate classification (germline): Uncertain significance. Review status: criteria provided, multiple submitters, no conflicts (2 of 4 stars). 5 submissions from 5 submitters: Uncertain significance (4). 1 of the submissions does not count toward it. Last evaluated 2024-04-01.

Conditions:
FREM1-related disorder. Also called: FREM1-Related Disorders; FREM1-related condition.
Oculotrichoanal syndrome (MOTA). Also called: MARLES SYNDROME; Manitoba Oculotrichoanal (MOTA) Syndrome. Identifiers: Orphanet 2717, MedGen C1855425, MONDO:0009560, OMIM 248450.
Trigonocephaly 2 (TRIGNO2). Identifiers: Orphanet 3366, MedGen C3280974, MONDO:0013774, OMIM 614485.
BNAR syndrome. Also called: Bifid Nose With or Without Anorectal and Renal Anomalies (BNAR) Syndrome. Identifiers: Orphanet 217266, MedGen C2750433, MONDO:0012165, OMIM 608980.

Allele frequency attached by ClinVar (database versions not stated): ESP Exome Variant Server 0.00008; gnomAD 0.00026 and 0.00022; TOPMed 0.00018; ExAC 0.00007.
gnomAD v4.1: 65 of 1,605,060 alleles (0.004%); highest among the groups gnomAD compares: African/African-American, 0.06%; no homozygotes.

Submissions (5):

Fulgent Genetics
Classification: Uncertain significance for Oculotrichoanal syndrome; BNAR syndrome; Trigonocephaly 2. Last evaluated: 2024-04-01. Review status: criteria provided, single submitter. Criteria: ACMG Guidelines, 2015. Collection method: clinical testing. Allele origin: germline.

Labcorp Genetics (formerly Invitae), Labcorp
Classification: Uncertain significance. Last evaluated: 2022-04-07. Review status: criteria provided, single submitter. Criteria: Invitae Variant Classification Sherloc (09022015). Collection method: clinical testing. Allele origin: germline.
Comment: In summary, the available evidence is currently insufficient to determine the role of this variant in disease. Therefore, it has been classified as a Variant of Uncertain Significance. Algorithms developed to predict the effect of missense changes on protein structure and function are either unavailable or do not agree on the potential impact of this missense change (SIFT: "Deleterious"; PolyPhen-2: "Benign"; Align-GVGD: "Class C0"). ClinVar contains an entry for this variant (Variation ID: 366177). This variant has not been reported in the literature in individuals affected with FREM1-related conditions. This variant is present in population databases (rs372699811, gnomAD 0.03%). This sequence change replaces threonine, which is neutral and polar, with alanine, which is neutral and non-polar, at codon 24 of the FREM1 protein (p.Thr24Ala).

GeneDx
Classification: Uncertain significance. Last evaluated: 2019-07-01. Review status: criteria provided, single submitter. Criteria: GeneDx Variant Classification Process June 2021. Collection method: clinical testing. Allele origin: germline. Affected: yes.
Comment: In silico analysis, which includes protein predictors and evolutionary conservation, supports that this variant does not alter protein structure/function; Has not been previously published as pathogenic or benign to our knowledge

Illumina Laboratory Services, Illumina
Classification: Uncertain significance for Oculotrichoanal syndrome. Last evaluated: 2018-01-13. Review status: criteria provided, single submitter. Criteria: ICSL Variant Classification Criteria 13 December 2019. Collection method: clinical testing. Allele origin: germline.

PreventionGenetics, part of Exact Sciences
Classification: Uncertain significance for FREM1-related condition. Last evaluated: 2024-08-24. Review status: no assertion criteria provided. Collection method: clinical testing. Allele origin: germline. Not counted in ClinVar's aggregate classification.
Comment: The FREM1 c.70A>G variant is predicted to result in the amino acid substitution p.Thr24Ala. To our knowledge, this variant has not been reported in the literature. This variant is reported in 0.027% of alleles in individuals of African descent in gnomAD. At this time, the clinical significance of this variant is uncertain due to the absence of conclusive functional and genetic evidence.